The following is an entry in ClinVar:

NM_000443.4(ABCB4):c.1938T>C (p.Asp646=)

Gene: ABCB4 (ATP binding cassette subfamily B member 4; minus strand). Cytogenetic location: 7q21.12.
Variant type: single nucleotide variant.
Coding change: c.1938T>C on transcript NM_000443.4 (MANE Select); coding-DNA position 1938, T replaced by C.
Protein change: p.Asp646=; no amino-acid change (aspartic acid 646 retained).
Molecular consequence: synonymous variant.
Genome position (GRCh38, 1-based): chr7:87,426,876, A>G on the plus strand (T>C on the coding strand, the complement: ABCB4 is on the minus strand). VCF-style: chr7-87426876-A-G. GRCh37 (hg19) VCF-style: chr7-87056192-A-G.
Other names: c.1938T>C, p.Asp646= (NM_018849.3, NM_018850.3).
Identifiers: ClinVar variation 360799 (VCV000360799.13), dbSNP rs553616378, ClinGen allele CA4327162.

ClinVar aggregate classification (germline): Benign. Review status: criteria provided, multiple submitters, no conflicts (2 of 4 stars). 6 submissions from 5 submitters: Benign (4). 2 of the submissions do not count toward it. Last evaluated 2026-01-28.

Conditions:
Cholestasis, intrahepatic, of pregnancy, 3. Identifiers: Orphanet 69665, MedGen C3554241, MONDO:0013995, OMIM 614972.
Progressive familial intrahepatic cholestasis type 3. Also called: MDR3 DEFICIENCY; Low Gamma-GT Familial Intrahepatic Cholestasis. Identifiers: Orphanet 79305, MedGen C1865643, MONDO:0011214, OMIM 602347.

Allele frequency attached by ClinVar (database versions not stated): gnomAD 0.00001 and 0.00087; gnomAD exomes 0.00303 and 0.00155; ExAC 0.00328; 1000 Genomes Project 30x 0.00375; 1000 Genomes Project 0.00439; TOPMed 0.00017.
gnomAD v4.1: 2,390 of 1,613,704 alleles (0.15%); highest among the groups gnomAD compares: South Asian, 2.5%; 59 homozygotes.

Submissions (6):

Labcorp Genetics (formerly Invitae), Labcorp
Classification: Benign. Last evaluated: 2026-01-28. Review status: criteria provided, single submitter. Criteria: Invitae Variant Classification Sherloc (09022015). Collection method: clinical testing. Allele origin: germline.

Illumina Laboratory Services, Illumina
Classification: Benign for Cholestasis, intrahepatic, of pregnancy, 3. Last evaluated: 2018-01-13. Review status: criteria provided, single submitter. Criteria: ICSL Variant Classification Criteria 13 December 2019. Collection method: clinical testing. Allele origin: germline.
Comment: This variant was observed in the ICSL laboratory as part of a predisposition screen in an ostensibly healthy population. It had not been previously curated by ICSL or reported in the Human Gene Mutation Database (HGMD: prior to June 1st, 2018), and was therefore a candidate for classification through an automated scoring system. Utilizing variant allele frequency, disease prevalence and penetrance estimates, and inheritance mode, an automated score was calculated to assess if this variant is too frequent to cause the disease. Based on the score and internal cut-off values, a variant classified as benign is not then subjected to further curation. The score for this variant resulted in a classification of benign for this disease.

Illumina Laboratory Services, Illumina
Classification: Benign for Progressive familial intrahepatic cholestasis type 3. Last evaluated: 2018-01-13. Review status: criteria provided, single submitter. Criteria: ICSL Variant Classification Criteria 13 December 2019. Collection method: clinical testing. Allele origin: germline.
Comment: the same text as in the submission from Illumina Laboratory Services, Illumina above.

GeneDx
Classification: Benign. Last evaluated: 2017-08-12. Review status: criteria provided, single submitter. Criteria: GeneDx Variant Classification (06012015). Collection method: clinical testing. Allele origin: germline. Affected: yes.
Comment: This variant is considered likely benign or benign based on one or more of the following criteria: it is a conservative change, it occurs at a poorly conserved position in the protein, it is predicted to be benign by multiple in silico algorithms, and/or has population frequency not consistent with disease.

Diagnostic Laboratory, Department of Genetics, University Medical Center Groningen
Classification: Benign. Review status: no assertion criteria provided. Collection method: clinical testing. Allele origin: germline. Affected: yes. Study: VKGL Data-share Consensus. Not counted in ClinVar's aggregate classification.

Genome Diagnostics Laboratory, University Medical Center Utrecht
Classification: Likely benign. Review status: no assertion criteria provided. Collection method: clinical testing. Allele origin: germline. Affected: yes. Study: VKGL Data-share Consensus. Not counted in ClinVar's aggregate classification.